The following is an entry in ClinVar:

NM_001267550.2(TTN):c.39882A>G (p.Ala13294=)

Gene: TTN (titin; minus strand). Cytogenetic location: 2q31.2.
Variant type: single nucleotide variant.
Coding change: c.39882A>G on transcript NM_001267550.2 (MANE Select); coding-DNA position 39882, A replaced by G.
Protein change: p.Ala13294=; no amino-acid change (alanine 13294 retained).
Molecular consequence: synonymous variant. On other transcripts: intron variant (3).
Genome position (GRCh38, 1-based): chr2:178,649,830, T>C on the plus strand (A>G on the coding strand, the complement: TTN is on the minus strand). VCF-style: chr2-178649830-T-C. GRCh37 (hg19) VCF-style: chr2-179514557-T-C.
Other names: p.Ala11787=; c.35361A>G, p.Ala11787= (NM_001256850.1); c.32580A>G, p.Ala10860= (NM_133378.4); c.13283-7513A>G (NM_003319.4); c.13859-7513A>G (NM_133437.4); c.13658-7513A>G (NM_133432.3).
Identifiers: ClinVar variation 704301 (VCV000704301.13), dbSNP rs933885965, ClinGen allele CA60966729.

ClinVar aggregate classification (germline): Likely benign. Review status: criteria provided, multiple submitters, no conflicts (2 of 4 stars). 3 submissions from 3 submitters: Likely benign (3). Last evaluated 2026-01-19.

Conditions:
TTN-related disorder. Also called: TTN-related condition; TTN-related disease; TTN-related disorders.
Autosomal recessive limb-girdle muscular dystrophy type 2J (LGMDR10). Also called: Limb-girdle muscular dystrophy, type 2J; MUSCULAR DYSTROPHY, LIMB-GIRDLE, AUTOSOMAL RECESSIVE 10. Identifiers: Orphanet 140922, MedGen C1837342, MONDO:0012127, OMIM 608807.
Dilated cardiomyopathy 1G (CMD1G). Identifiers: Orphanet 154, MedGen C1858763, MONDO:0011400, OMIM 604145.

Allele frequency attached by ClinVar (database versions not stated): TOPMed 0.00018; gnomAD exomes below 0.00001 and 0.00002; gnomAD 0.00007.
gnomAD v4.1: 22 of 1,612,216 alleles (0.0014%); highest among the groups gnomAD compares: Admixed American, 0.032%; no homozygotes.

Submissions (3):

Labcorp Genetics (formerly Invitae), Labcorp
Classification: Likely benign for Dilated cardiomyopathy 1G; Autosomal recessive limb-girdle muscular dystrophy type 2J. Last evaluated: 2026-01-19. Review status: criteria provided, single submitter. Criteria: Invitae Variant Classification Sherloc (09022015). Collection method: clinical testing. Allele origin: germline.

Mayo Clinic Laboratories, Mayo Clinic
Classification: Likely benign. Last evaluated: 2025-10-09. Review status: criteria provided, single submitter. Criteria: ACMG Guidelines, 2015. Collection method: clinical testing. Allele origin: germline. Observed: 1 variant allele.
Comment: BP4, BP7

PreventionGenetics, part of Exact Sciences
Classification: Likely benign for TTN-related condition. Last evaluated: 2025-09-11. Review status: criteria provided, single submitter. Criteria: ACMG Guidelines, 2015. Collection method: clinical testing. Allele origin: germline.
Comment: This variant is classified as likely benign based on ACMG/AMP sequence variant interpretation guidelines (Richards et al. 2015 PMID: 25741868, with internal and published modifications).